The following is an entry in ClinVar:

ClinVar aggregate classification (germline): Pathogenic (1 of 4 stars; one submission).

Submission:

Labcorp Genetics (formerly Invitae), Labcorp
Classification: Pathogenic. Last evaluated: 2025-02-12. Review status: criteria provided, single submitter. Criteria: Invitae Variant Classification Sherloc (09022015). Collection method: clinical testing. Allele origin: germline.
Comment: This sequence change creates a premature translational stop signal (p.Thr440Hisfs*11) in the NNT gene. It is expected to result in an absent or disrupted protein product. Loss-of-function variants in NNT are known to be pathogenic (PMID: 22634753, 25459914). This variant is not present in population databases (gnomAD no frequency). This variant has not been reported in the literature in individuals affected with NNT-related conditions. For these reasons, this variant has been classified as Pathogenic.

Literature cited by the submitters: PubMed 22634753; PubMed 25459914.

NM_182977.3(NNT):c.1314del (p.Thr440fs)

Gene: NNT (nicotinamide nucleotide transhydrogenase; plus strand). Cytogenetic location: 5p12.
Variant type: Deletion.
Coding change: c.1314del on transcript NM_182977.3 (MANE Select); coding-DNA position 1314, one base deleted (T; older notation c.1314delT).
Protein change: p.Thr440fs; shifts the reading frame from threonine 440.
Molecular consequence: frameshift variant.
Genome position (GRCh38, 1-based): chr5:43,645,380, T deleted. VCF-style (leftmost placement, unchanged base first): chr5-43645379-CT-C. GRCh37 (hg19) VCF-style: chr5-43645481-CT-C.
Other names: c.921del, p.Thr309fs (NM_001331026.2); c.1314del, p.Thr440fs (NM_012343.4); short protein forms T309fs, T440fs.
Identifiers: ClinVar variation 4712698 (VCV004712698.1).